The following is an entry in ClinVar:

NM_000552.5(VWF):c.4751A>G (p.Tyr1584Cys)

Gene: VWF (von Willebrand factor; minus strand). Cytogenetic location: 12p13.31.
Variant type: single nucleotide variant.
Coding change: c.4751A>G on transcript NM_000552.5 (MANE Select); coding-DNA position 4751, A replaced by G.
Protein change: p.Tyr1584Cys; replaces tyrosine 1584 with cysteine.
Molecular consequence: missense variant.
Genome position (GRCh38, 1-based): chr12:6,018,667, T>C on the plus strand (A>G on the coding strand, the complement: VWF is on the minus strand). VCF-style: chr12-6018667-T-C. GRCh37 (hg19) VCF-style: chr12-6127833-T-C.
Other names: p.Y1584C; short protein forms Y1584C.
Identifiers: ClinVar variation 310 (VCV000000310.108), dbSNP rs1800386, ClinGen allele CA114162.

ClinVar aggregate classification (germline): Conflicting classifications of pathogenicity; risk factor. Review status: criteria provided, conflicting classifications (1 of 4 stars). 38 submissions from 35 submitters: Pathogenic (7); Likely pathogenic (14); Uncertain significance (7). 9 of the submissions do not count toward it. Last evaluated 2026-09-11.

Conditions:
von Willebrand disorder (VWD). Also called: Von Willebrand disease (hereditary or acquired); von Willebrand's disease; von Willebrand Diseases. Identifiers: MedGen C0042974, MeSH D014842, MONDO:0024574.
VWF-related disorder. Also called: VWF-related condition; VWF-related disorders.
von Willebrand disease type 2 (VWD2). Also called: VON WILLEBRAND DISEASE, TYPE 2A/IIE; VON WILLEBRAND DISEASE, TYPE 2CB; VWD, TYPE 2; VON WILLEBRAND DISEASE, TYPE II. Identifiers: Orphanet 166081, Orphanet 903, MedGen C1264040, MONDO:0013304, OMIM 613554.
von Willebrand disease type 1 (VWD1). Also called: VWD, TYPE 1; VON WILLEBRAND DISEASE, TYPE I. Identifiers: Orphanet 166078, Orphanet 903, MedGen C1264039, MONDO:0008668, OMIM 193400. Inheritance: autosomal recessive or autosomal dominant.
Thrombus. Identifiers: MedGen C0087086, MeSH D013927.
Inborn genetic diseases. Identifiers: MedGen C0950123, MeSH D030342.
von Willebrand disease type 3 (VWD3). Also called: Type 3 Von Willebrand's disease; Type 3 VWD; Von Willebrand disease, severe form; V WD3; VON WILLEBRAND DISEASE, TYPE III. Identifiers: Orphanet 166096, MedGen C1264041, MONDO:0010191, OMIM 277480.
Hereditary von Willebrand disease. Identifiers: Orphanet 903, MedGen C5703318, MONDO:0019565. Inheritance: Autosomal recessive or Autosomal dominant.
von Willebrand disease, type 1, susceptibility to.
Thrombocytopenia. Identifiers: MedGen C0040034, MeSH D013921, MONDO:0002049, HP:0001873.

Allele frequency attached by ClinVar (database versions not stated): 1000 Genomes Project 0.00080; TOPMed 0.00197; gnomAD 0.00237 and 0.00225; gnomAD exomes 0.00266; ExAC 0.00294; 1000 Genomes Project 30x 0.00109.
gnomAD v4.1: 5,555 of 1,613,678 alleles (0.34%); highest among the groups gnomAD compares: Non-Finnish European, 0.41%; 15 homozygotes.

Submissions 1 to 5 of 38:

PreventionGenetics, part of Exact Sciences
Classification: Likely pathogenic for VWF-related condition. Last evaluated: 2026-09-11. Review status: criteria provided, single submitter. Criteria: ACMG Guidelines, 2015. Collection method: clinical testing. Allele origin: germline.
Comment: The VWF c.4751A>G variant is predicted to result in the amino acid substitution p.Tyr1584Cys. This variant has been reported to segregate with disease phenotype in several families with von Willebrand Disease (VWD) Type I and was also found in apparent controls who were later found to have some symptoms of VWD (O’Brien et al. 2003. PubMed ID: 12649144; Bellissimo et al. 2012. PubMed ID: 22197721; Bowen and Collins. 2004. PubMed ID: 14525793). The p.Tyr1584Cys substitution has been reported to make VWF protein more susceptible to ADAMTS13 – mediated proteolysis (Bowen and Collins. 2004. PubMed ID: 14525793; Pruss et al. 2013. PubMed ID: 21346256) and has been associated with decreased levels of VWF protein, especially in patients with blood group O (Davies et al. 2009. PubMed ID: 19506354). The c.4751A>G variant displays variable penetrance among patients from the studies mentioned above, and taken together, available data indicate that this variant is likely to cause or at least increase risk of disease. We categorize this variant as likely pathogenic; however, in the absence of clinical features, it may not be sufficient to make a clinical diagnosis of VWD.

Ambry Genetics
Classification: Likely pathogenic for Inborn genetic diseases. Last evaluated: 2026-01-26. Review status: criteria provided, single submitter. Criteria: Ambry Variant Classification Scheme 2023. Collection method: clinical testing. Allele origin: germline.
Comment: The c.4751A>G (p.Y1584C) alteration is located in exon 28 (coding exon 27) of the VWF gene. This alteration results from a A to G substitution at nucleotide position 4751, causing the tyrosine (Y) at amino acid position 1584 to be replaced by a cysteine (C). for von Willebrand disease type 1 and type 3; however, its clinical significance for von Willebrand disease type 2 is uncertain. Based on data from gnomAD, the G allele has an overall frequency of 0.263% (743/282486) total alleles studied. The highest observed frequency was 0.402% (519/128972) of European (non-Finnish) alleles. This alteration has been reported to be one of the most common alleles associated with type I von Willebrand disease. Individuals with this alteration showed a broad spectrum of clinical presentations (O'Brien, 2003; Bowen, 2005; Goodeve, 2007; Seidizadeh, 2024; Christopherson, 2024). While this alteration was observed to segregate with disease in some families, non-segregation has also been reported in a few cases where affected members did not have this alteration (Bowen, 2004; Bowen, 2005; Goodeve, 2007). This alteration has been shown to be associated with reduced VWF:Ag levels in both healthy and affected individuals (Davies, 2007; Bittar, 2011). In one or more case control studies, this variant was found to be associated with Von Willebrand disease (Friedman, 2025). This amino acid position is not well conserved in available vertebrate species. In multiple assays testing VWF function, this variant showed a functionally abnormal result (Pruss, 2011). This alteration is predicted to be deleterious by in silico analysis. Based on the available evidence, this alteration is classified as likely pathogenic.

Institute of Human Genetics, University of Leipzig Medical Center
Classification: Pathogenic for von Willebrand disease type 1. Last evaluated: 2026-01-09. Review status: criteria provided, single submitter. Criteria: ACMG Guidelines, 2015. Collection method: clinical testing. Allele origin: unknown. Inheritance: Autosomal dominant inheritance. Affected: yes.
Comment: Criteria applied: PS3,PS4,PP1,PP4

Dasa
Classification: Pathogenic. Last evaluated: 2025-10-08. Review status: criteria provided, single submitter. Criteria: DASA Assertion Criteria. Collection method: clinical testing. Allele origin: germline.
Comment: NM_000552.5(VWF):c.4751A>G (p.Tyr1584Cys) is a missense variant that results in the substitution of tyrosine with cysteine. Functional evidence supports a deleterious effect on the gene or gene product (PMID: 12649144; PMID: 14525793; PMID: 15755288; PMID: 17080221; PMID: 21346256). This variant has been recurrently observed in individuals with related phenotype (PMID: 12649144; PMID: 14525793; PMID: 15755288; PMID: 17080221; PMID: 21346256). Segregation evidence has been reported in affected families. The variant is present at low frequency in population datasets. Based on the available data, this variant is classified as pathogenic.

Women's Health and Genetics/Laboratory Corporation of America, LabCorp
Classification: Likely pathogenic for von Willebrand disorder. Last evaluated: 2025-08-26. Review status: criteria provided, single submitter. Criteria: LabCorp Variant Classification Summary - May 2015. Collection method: clinical testing. Allele origin: germline.
Comment: Variant summary: VWF c.4751A>G (p.Tyr1584Cys) results in a non-conservative amino acid change located in the 2nd type A domain (IPR002035) of the encoded protein sequence. Algorithms developed to predict the effect of missense changes on protein structure and function are either unavailable or do not agree on the potential impact of this missense change. The variant allele was found at a frequency of 0.0027 in 251146 control chromosomes, predominantly at a frequency of 0.0041 within the Non-Finnish European subpopulation in the gnomAD database, including 4 homozygotes. The observed variant frequency within Non-Finnish European control individuals in the gnomAD database exceeds the estimated maximal expected allele frequency for disease-causing variants in VWF.c.4751A>G has been reported as the most common variant found in individuals affected with type 1 Von Willebrand Disease, and it has been found in many individuals and families affected with the disease (e.g. O'Brien_2003, Bowen_2005, James_2007, Borras_2017, Freitas_2019, Vangenechten_2019), although in many families a reduced penetrance and a milder disease phenotype was described (e.g. O'Brien_2003, Bowen_2005, Bellissimo_2012). Experimental studies have demonstrated that the Y1584C variant results in decreased biosynthesis and secretion in vitro (e.g. O'Brien_2003), together with an increased susceptibility to proteolysis by ADAMTS13 (e.g. Pruss_2011). Additionally, in a mouse model the variant protein had decreased plasma levels and resulted in reduced thrombus formation (Pruss_2011). In recent large GWAS analyses, the variant was found to be present at higher frequencies in European populations (0.3%-0.44%), and was found to be associated with the risk of von Willebrand disease (log(odds ratio (OR)) = 2.09, P = 8.7E-09), and with a decrease in von Willebrand factor and FVIII levels (e.g. Sun_2022, Pankratz_2022). The following publications have been ascertained in the context of this evaluation (PMID: 22197721, 28971901, 15755288, 30817071, 17190853, 12649144, 21346256, 30722078, 35197637, 35552711). ClinVar contains an entry for this variant (Variation ID: 310). Based on the evidence outlined above, the variant was classified as likely pathogenic.